The following is an entry in ClinVar:

ClinVar aggregate classification (germline): Uncertain significance (1 of 4 stars; one submission).

Submission:

GeneDx
Classification: Uncertain significance. Last evaluated: 2022-07-15. Review status: criteria provided, single submitter. Criteria: GeneDx Variant Classification Process June 2021. Collection method: clinical testing. Allele origin: germline. Affected: yes.
Comment: Not observed at significant frequency in large population cohorts (gnomAD); In silico analysis supports that this missense variant does not alter protein structure/function; Has not been previously published as pathogenic or benign to our knowledge

NM_001394062.1(MACF1):c.12822G>C (p.Glu4274Asp)

Gene: MACF1 (microtubule actin crosslinking factor 1; plus strand). Cytogenetic location: 1p34.3.
Variant type: single nucleotide variant.
Coding change: c.12822G>C on transcript NM_001394062.1 (MANE Select); coding-DNA position 12822, G replaced by C.
Protein change: p.Glu4274Asp; replaces glutamic acid 4274 with aspartic acid.
Molecular consequence: missense variant.
Genome position (GRCh38, 1-based): chr1:39,368,198, G>C. VCF-style: chr1-39368198-G-C. GRCh37 (hg19) VCF-style: chr1-39833870-G-C.
Other names: c.6636G>C, p.Glu2212Asp (NM_012090.5); short protein forms E2212D, E4274D.
Identifiers: ClinVar variation 1878924 (VCV001878924.1), dbSNP rs2522461697, ClinGen allele CA339826248.
Genomic context (GRCh38, chr1:39,368,198, plus strand): 5'-TGCTTGACAGGAGCTCAATTTGGAAATGGAAGACCAACAGGAGAACCTAGATACTCTTGA[G>C]CACCTGGTCACTGAACTGAGCTCTTGTGGCTTTGCGCTGGACTTGTGCCAGCATCAGGAC-3'
Protein context (NP_001380991.1, residues 4264-4284): EDQQENLDTL[Glu4274Asp]HLVTELSSCG